The following is an entry in ClinVar:

ClinVar aggregate classification (germline): Likely benign (1 of 4 stars; one submission).

Allele frequency attached by ClinVar (database versions not stated): TOPMed 0.00011; gnomAD 0.00014; gnomAD exomes 0.00015; 1000 Genomes Project 0.00080; 1000 Genomes Project 30x 0.00094.
gnomAD v4.1: 221 of 1,420,420 alleles (0.016%); highest among the groups gnomAD compares: South Asian, 0.15%; 2 homozygotes.

Submission:

CeGaT Center for Human Genetics Tuebingen
Classification: Likely benign. Last evaluated: 2026-03-01. Review status: criteria provided, single submitter. Criteria: CeGaT Center For Human Genetics Tuebingen Variant Classification Criteria Version 2. Collection method: clinical testing. Allele origin: germline. Affected: yes. Observed: 4 variant alleles.
Comment: BRAF: BS1

NM_004333.6(BRAF):c.1141-58C>T

Gene: BRAF (B-Raf proto-oncogene, serine/threonine kinase; minus strand). Cytogenetic location: 7q34.
Variant type: single nucleotide variant.
Coding change: c.1141-58C>T on transcript NM_004333.6 (MANE Select); 58 bases into the intron before coding-DNA position 1141, C replaced by T.
Molecular consequence: intron variant.
Genome position (GRCh38, 1-based): chr7:140,787,642, G>A on the plus strand (C>T on the coding strand, the complement: BRAF is on the minus strand). VCF-style: chr7-140787642-G-A. GRCh37 (hg19) VCF-style: chr7-140487442-G-A.
Other names: c.1141-58C>T (NM_001378474.1, NM_001378468.1, NM_001354609.2 and 3 more transcripts); c.1039-58C>T (NM_001378470.1); c.877-58C>T (NM_001378475.1); c.1141-4559C>T (NM_001378471.1); c.1150-58C>T (NM_001378467.1); c.985-58C>T (NM_001378472.1, NM_001378473.1).
Identifiers: ClinVar variation 2658041 (VCV002658041.24), dbSNP rs577870515, ClinGen allele CA168095134.